The following is an entry in ClinVar:

ClinVar aggregate classification (germline): Uncertain significance (1 of 4 stars; one submission).

Conditions:
Thrombocytopenia 1. Also called: X-Linked Thrombocytopenia (XLT); X-linked thrombocytopenia with normal platelets; THROMBOCYTOPENIA, X-LINKED, 1. Identifiers: Orphanet 268322, Orphanet 852, MedGen C1839163, MONDO:0010743, OMIM 313900.
Wiskott-Aldrich syndrome (WAS). Also called: WISKOTT-ALDRICH SYNDROME 1; ALDRICH SYNDROME; IMMUNODEFICIENCY 2; Wiskott-aldrich syndrome, somatic. Identifiers: Orphanet 906, MedGen C0043194, MONDO:0010518, OMIM 301000.
X-linked severe congenital neutropenia (SCNX). Identifiers: Orphanet 86788, MedGen C1845987, MONDO:0010294, OMIM 300299.

Submission:

Labcorp Genetics (formerly Invitae), Labcorp
Classification: Uncertain significance for Wiskott-Aldrich syndrome; X-linked severe congenital neutropenia; Thrombocytopenia 1. Last evaluated: 2024-02-10. Review status: criteria provided, single submitter. Criteria: Invitae Variant Classification Sherloc (09022015). Collection method: clinical testing. Allele origin: germline.
Comment: This sequence change disrupts the translational stop signal of the WAS mRNA. It is expected to extend the length of the WAS protein by 79 additional amino acid residues. This variant is not present in population databases (gnomAD no frequency). This variant has not been reported in the literature in individuals affected with WAS-related conditions. This variant results in an extension of the WAS protein. Other variant(s) that result in a similarly extended protein product (p.*503Argext*79, *503Serext*79, *503Argext*79) have been observed in individuals with WAS-related disease (PMID: 14612970, 15284122, 17400488). This suggests that these extensions may be clinically significant. In summary, the available evidence is currently insufficient to determine the role of this variant in disease. Therefore, it has been classified as a Variant of Uncertain Significance.

Literature cited by the submitters: PubMed 14612970; PubMed 15284122; PubMed 17400488.

NM_000377.3(WAS):c.1509A>G (p.Ter503Trp)

Gene: WAS (WASP actin nucleation promoting factor; plus strand). Cytogenetic location: Xp11.23.
Variant type: single nucleotide variant.
Coding change: c.1509A>G on transcript NM_000377.3 (MANE Select); coding-DNA position 1509, A replaced by G.
Protein change: p.Ter503Trp.
Molecular consequence: stop lost.
Genome position (GRCh38, 1-based): chrX:48,691,162, A>G. VCF-style: chrX-48691162-A-G. GRCh37 (hg19) VCF-style: chrX-48549553-A-G.
Identifiers: ClinVar variation 2952496 (VCV002952496.3), dbSNP rs2519291796, ClinGen allele CA412874195.